The following is an entry in ClinVar:

ClinVar aggregate classification (germline): Likely benign (1 of 4 stars; one submission).

gnomAD v4.1: 29 of 1,614,082 alleles (0.0018%); highest among the groups gnomAD compares: African/African-American, 0.0027%; no homozygotes.

Submission:

CeGaT Center for Human Genetics Tuebingen
Classification: Likely benign. Last evaluated: 2026-09-01. Review status: criteria provided, single submitter. Criteria: CeGaT Center For Human Genetics Tuebingen Variant Classification Criteria Version 2. Collection method: clinical testing. Allele origin: germline. Affected: yes. Observed: 1 variant allele.
Comment: SRRM2: BP4, BP7

NM_016333.4(SRRM2):c.984G>A (p.Thr328=)

Gene: SRRM2 (serine/arginine repetitive matrix 2; plus strand). Cytogenetic location: 16p13.3.
Variant type: single nucleotide variant.
Coding change: c.984G>A on transcript NM_016333.4 (MANE Select); coding-DNA position 984, G replaced by A.
Protein change: p.Thr328=; no amino-acid change (threonine 328 retained).
Molecular consequence: synonymous variant.
Genome position (GRCh38, 1-based): chr16:2,760,451, G>A. VCF-style: chr16-2760451-G-A. GRCh37 (hg19) VCF-style: chr16-2810452-G-A.
Identifiers: ClinVar variation 5041249 (VCV005041249.1).